The following is an entry in ClinVar:

NM_006231.4(POLE):c.2171C>A (p.Ala724Glu)

Gene: POLE (DNA polymerase epsilon, catalytic subunit; minus strand). Cytogenetic location: 12q24.33.
Variant type: single nucleotide variant.
Coding change: c.2171C>A on transcript NM_006231.4 (MANE Select); coding-DNA position 2171, C replaced by A.
Protein change: p.Ala724Glu; replaces alanine 724 with glutamic acid.
Molecular consequence: missense variant.
Genome position (GRCh38, 1-based): chr12:132,668,358, G>T on the plus strand (C>A on the coding strand, the complement: POLE is on the minus strand). VCF-style: chr12-132668358-G-T. GRCh37 (hg19) VCF-style: chr12-133244944-G-T.
Other names: short protein forms A724E.
Identifiers: ClinVar variation 3935657 (VCV003935657.1).

ClinVar aggregate classification (germline): Uncertain significance (1 of 4 stars; one submission).

Conditions:
Hereditary cancer-predisposing syndrome. Also called: Tumor predisposition; Hereditary neoplastic syndrome; Hereditary Cancer Syndrome; Neoplastic Syndromes, Hereditary. Identifiers: Orphanet 140162, MedGen C0027672, MeSH D009386, MONDO:0015356.

Submission:

Ambry Genetics
Classification: Uncertain significance for Hereditary cancer-predisposing syndrome. Last evaluated: 2025-04-25. Review status: criteria provided, single submitter. Criteria: Ambry Variant Classification Scheme 2023. Collection method: clinical testing. Allele origin: germline.
Comment: The p.A724E variant (also known as c.2171C>A), located in coding exon 19 of the POLE gene, results from a C to A substitution at nucleotide position 2171. The alanine at codon 724 is replaced by glutamic acid, an amino acid with dissimilar properties. This amino acid position is well conserved in available vertebrate species. In addition, this alteration is predicted to be tolerated by in silico analysis. Based on the available evidence, the clinical significance of this variant remains unclear.